The following is an entry in ClinVar:

NM_004999.4(MYO6):c.26C>G (p.Ala9Gly)

Gene: MYO6 (myosin VI; plus strand). Cytogenetic location: 6q14.1.
Variant type: single nucleotide variant.
Coding change: c.26C>G on transcript NM_004999.4 (MANE Select); coding-DNA position 26, C replaced by G.
Protein change: p.Ala9Gly; replaces alanine 9 with glycine.
Molecular consequence: missense variant. On other transcripts: non-coding transcript variant (2).
Genome position (GRCh38, 1-based): chr6:75,817,573, C>G. VCF-style: chr6-75817573-C-G. GRCh37 (hg19) VCF-style: chr6-76527290-C-G.
Other names: c.26C>G, p.Ala9Gly (NM_001300899.2, NM_001368136.1, NM_001368137.1 and 5 more transcripts); short protein forms A9G.
Identifiers: ClinVar variation 4756067 (VCV004756067.1).

ClinVar aggregate classification (germline): Uncertain significance (1 of 4 stars; one submission).

Submission:

GeneDx
Classification: Uncertain significance. Last evaluated: 2025-08-06. Review status: criteria provided, single submitter. Criteria: GeneDx Variant Classification Process June 2021. Collection method: clinical testing. Allele origin: germline. Affected: yes.
Comment: Not observed at significant frequency in large population cohorts (gnomAD); In silico analysis supports that this missense variant has a deleterious effect on protein structure/function; Has not been previously published as pathogenic or benign to our knowledge